The following is an entry in ClinVar:

ClinVar aggregate classification (germline): Uncertain significance (1 of 4 stars; one submission).

gnomAD v4.1: 2 of 1,614,078 alleles (0.00012%); highest among the groups gnomAD compares: Non-Finnish European, 0.00017%; no homozygotes.

Submission:

Mayo Clinic Laboratories, Mayo Clinic
Classification: Uncertain significance. Last evaluated: 2025-10-09. Review status: criteria provided, single submitter. Criteria: ACMG Guidelines, 2015. Collection method: clinical testing. Allele origin: germline. Observed: 1 variant allele.
Comment: PP3_moderate, PM2_supporting

NM_001151.4(SLC25A4):c.358G>C (p.Gly120Arg)

Gene: SLC25A4 (solute carrier family 25 member 4; plus strand). Cytogenetic location: 4q35.1.
Variant type: single nucleotide variant.
Coding change: c.358G>C on transcript NM_001151.4 (MANE Select); coding-DNA position 358, G replaced by C.
Protein change: p.Gly120Arg; replaces glycine 120 with arginine.
Molecular consequence: missense variant.
Genome position (GRCh38, 1-based): chr4:185,145,010, G>C. VCF-style: chr4-185145010-G-C. GRCh37 (hg19) VCF-style: chr4-186066164-G-C.
Other names: p.Gly120Arg; short protein forms G120R.
Identifiers: ClinVar variation 4541021 (VCV004541021.1).